The following is an entry in ClinVar:

ClinVar aggregate classification (germline): Uncertain significance (1 of 4 stars; one submission).

Submission:

GeneDx
Classification: Uncertain significance. Last evaluated: 2024-05-10. Review status: criteria provided, single submitter. Criteria: GeneDx Variant Classification Process June 2021. Collection method: clinical testing. Allele origin: germline. Affected: yes.
Comment: Frameshift variant predicted to result in abnormal protein length as the last 43 amino acids are replaced with 13 different amino acids; Not observed at significant frequency in large population cohorts (gnomAD); Has not been previously published as pathogenic or benign to our knowledge

NM_000814.6(GABRB3):c.1286_1287insTAGAG (p.Arg431fs)

Gene: GABRB3 (gamma-aminobutyric acid type A receptor subunit beta3; minus strand). Cytogenetic location: 15q12.
Variant type: Microsatellite.
Coding change: c.1286_1287insTAGAG on transcript NM_000814.6 (MANE Select); coding-DNA positions 1286 to 1287, TAGAG inserted.
Protein change: p.Arg431fs; shifts the reading frame from arginine 431.
Molecular consequence: frameshift variant.
Genome position: GRCh38 VCF-style: chr15-26547928-C-CCTCTA. GRCh37 (hg19) VCF-style: chr15-26793075-C-CCTCTA.
Other names: c.1031_1032insTAGAG, p.Arg346fs (NM_001191320.2, NM_001278631.2); c.1073_1074insTAGAG, p.Arg360fs (NM_001191321.3); c.1286_1287insTAGAG, p.Arg431fs (NM_021912.5); short protein forms R346fs, R360fs, R431fs.
Identifiers: ClinVar variation 3378122 (VCV003378122.1).